The following is an entry in ClinVar:

ClinVar aggregate classification (germline): Benign. Review status: criteria provided, multiple submitters, no conflicts (2 of 4 stars). 3 submissions from 3 submitters: Benign (3). Last evaluated 2026-01-26.

Conditions:
Hyperphosphatasemia with bone disease (PDB5). Also called: Osteoectasia familial; HYPEROSTOSIS CORTICALIS DEFORMANS JUVENILIS; HYPERPHOSPHATASEMIA, CHRONIC CONGENITAL IDIOPATHIC; HYPERPHOSPHATASIA, FAMILIAL IDIOPATHIC; PAGET DISEASE OF BONE 5, JUVENILE-ONSET; Paget disease of bone 5. Identifiers: Orphanet 2801, MedGen C0268414, MONDO:0009394, OMIM 239000.

Allele frequency attached by ClinVar (database versions not stated): gnomAD exomes 0.00044 and 0.00113; ExAC 0.00150; 1000 Genomes Project 30x 0.00312; 1000 Genomes Project 0.00359; gnomAD 0.00444 and 0.00484; TOPMed 0.00531; ESP Exome Variant Server 0.00592.
gnomAD v4.1: 1,329 of 1,614,110 alleles (0.082%); highest among the groups gnomAD compares: African/African-American, 1.5%; 12 homozygotes.

Submissions (3):

Labcorp Genetics (formerly Invitae), Labcorp
Classification: Benign. Last evaluated: 2026-01-26. Review status: criteria provided, single submitter. Criteria: Invitae Variant Classification Sherloc (09022015). Collection method: clinical testing. Allele origin: germline.

Illumina Laboratory Services, Illumina
Classification: Benign for Hyperphosphatasemia with bone disease. Last evaluated: 2017-04-27. Review status: criteria provided, single submitter. Criteria: ICSL Variant Classification Criteria 13 December 2019. Collection method: clinical testing. Allele origin: germline.
Comment: This variant was observed as part of a predisposition screen in an ostensibly healthy population. A literature search was performed for the gene, cDNA change, and amino acid change (where applicable). No publications were found based on this search. Allele frequency data from public databases was too high to be consistent with this variant causing disease. Therefore, this variant is classified as benign.

Breakthrough Genomics
Classification: Benign. Review status: criteria provided, single submitter. Criteria: ACMG Guidelines, 2015. Collection method: not provided. Allele origin: germline. Inheritance: Autosomal recessive inheritance. Affected: yes.

NM_002546.4(TNFRSF11B):c.558C>T (p.Ser186=)

Gene: TNFRSF11B (TNF receptor superfamily member 11b; minus strand). Cytogenetic location: 8q24.12.
Variant type: single nucleotide variant.
Coding change: c.558C>T on transcript NM_002546.4 (MANE Select); coding-DNA position 558, C replaced by T.
Protein change: p.Ser186=; no amino-acid change (serine 186 retained).
Molecular consequence: synonymous variant.
Genome position (GRCh38, 1-based): chr8:118,928,772, G>A on the plus strand (C>T on the coding strand, the complement: TNFRSF11B is on the minus strand). VCF-style: chr8-118928772-G-A. GRCh37 (hg19) VCF-style: chr8-119941011-G-A.
Identifiers: ClinVar variation 768257 (VCV000768257.14), dbSNP rs11573923, ClinGen allele CA4854890.